The following is an entry in ClinVar:

ClinVar aggregate classification (germline): Pathogenic (1 of 4 stars; one submission).

Submission:

Labcorp Genetics (formerly Invitae), Labcorp
Classification: Pathogenic. Last evaluated: 2020-10-02. Review status: criteria provided, single submitter. Criteria: Invitae Variant Classification Sherloc (09022015). Collection method: clinical testing. Allele origin: germline.
Comment: For these reasons, this variant has been classified as Pathogenic. Loss-of-function variants in LPL are known to be pathogenic (PMID: 11334614). This variant has not been reported in the literature in individuals with LPL-related conditions. This variant is not present in population databases (ExAC no frequency). This sequence change creates a premature translational stop signal (p.Gln335*) in the LPL gene. It is expected to result in an absent or disrupted protein product.

Literature cited by the submitters: PubMed 11334614.

NM_000237.3(LPL):c.1003C>T (p.Gln335Ter)

Gene: LPL (lipoprotein lipase; plus strand). Cytogenetic location: 8p21.3.
Variant type: single nucleotide variant.
Coding change: c.1003C>T on transcript NM_000237.3 (MANE Select); coding-DNA position 1003, C replaced by T.
Protein change: p.Gln335Ter; replaces glutamine 335 with a stop codon.
Molecular consequence: nonsense.
Genome position (GRCh38, 1-based): chr8:19,956,068, C>T. VCF-style: chr8-19956068-C-T. GRCh37 (hg19) VCF-style: chr8-19813579-C-T.
Other names: short protein forms Q335*.
Identifiers: ClinVar variation 1076739 (VCV001076739.5), dbSNP rs2128838569, ClinGen allele CA370469434.
Genomic context (GRCh38, chr8:19,956,068, plus strand): 5'-TATGAGATCAATAAAGTCAGAGCCAAAAGAAGCAGCAAAATGTACCTGAAGACTCGTTCT[C>T]AGATGCCCTACAAAGGTAGGCTGGAGACTGTTGTAAATAAGGAAACCAAGGAGTCCTATT-3'